The following is an entry in ClinVar:

ClinVar aggregate classification (germline): Likely benign. Review status: criteria provided, multiple submitters, no conflicts (2 of 4 stars). 5 submissions from 5 submitters: Likely benign (5). Last evaluated 2025-07-29.

Conditions:
SMARCA4-related disorder. Also called: SMARCA4-related condition.
Hereditary cancer-predisposing syndrome. Also called: Hereditary Cancer Syndrome; Tumor predisposition; Hereditary neoplastic syndrome; Neoplastic Syndromes, Hereditary. Identifiers: Orphanet 140162, MedGen C0027672, MeSH D009386, MONDO:0015356.
Rhabdoid tumor predisposition syndrome 2 (RTPS2). Identifiers: Orphanet 231108, Orphanet 69077, MedGen C2750074, MONDO:0013224, OMIM 613325.

gnomAD v4.1: 5 of 1,614,034 alleles (0.00031%); highest among the groups gnomAD compares: East Asian, 0.0045%; no homozygotes.

Submissions (5):

Labcorp Genetics (formerly Invitae), Labcorp
Classification: Likely benign for Rhabdoid tumor predisposition syndrome 2. Last evaluated: 2025-07-29. Review status: criteria provided, single submitter. Criteria: Invitae Variant Classification Sherloc (09022015). Collection method: clinical testing. Allele origin: germline.

Quest Diagnostics Nichols Institute San Juan Capistrano
Classification: Likely benign. Last evaluated: 2025-06-02. Review status: criteria provided, single submitter. Criteria: Quest Diagnostics criteria. Collection method: clinical testing. Allele origin: unknown.

PreventionGenetics, part of Exact Sciences
Classification: Likely benign for SMARCA4-related condition. Last evaluated: 2025-05-28. Review status: criteria provided, single submitter. Criteria: ACMG Guidelines, 2015. Collection method: clinical testing. Allele origin: germline.
Comment: This variant is classified as likely benign based on ACMG/AMP sequence variant interpretation guidelines (Richards et al. 2015 PMID: 25741868, with internal and published modifications).

Sema4
Classification: Likely benign for Hereditary cancer-predisposing syndrome. Last evaluated: 2021-04-14. Review status: criteria provided, single submitter. Criteria: Sema4 Curation Guidelines. Collection method: curation. Allele origin: germline.

Ambry Genetics
Classification: Likely benign for Hereditary cancer-predisposing syndrome. Last evaluated: 2015-09-09. Review status: criteria provided, single submitter. Criteria: Ambry Variant Classification Scheme 2023. Collection method: clinical testing. Allele origin: germline.

NM_003072.5(SMARCA4):c.1476C>A (p.Ser492=)

Gene: SMARCA4 (SWI/SNF related BAF chromatin remodeling complex subunit ATPase 4; plus strand). Cytogenetic location: 19p13.2.
Variant type: single nucleotide variant.
Coding change: c.1476C>A on transcript NM_003072.5 (MANE Select); coding-DNA position 1476, C replaced by A.
Protein change: p.Ser492=; no amino-acid change (serine 492 retained).
Molecular consequence: synonymous variant. On other transcripts: non-coding transcript variant (1).
Genome position (GRCh38, 1-based): chr19:10,994,884, C>A. VCF-style: chr19-10994884-C-A. GRCh37 (hg19) VCF-style: chr19-11105560-C-A.
Other names: c.1476C>A, p.Ser492= (NM_001128844.3, NM_001128845.2, NM_001128846.2 and 5 more transcripts).
Identifiers: ClinVar variation 415067 (VCV000415067.19), dbSNP rs528531511, ClinGen allele CA16616120.